The following is an entry in ClinVar:

ClinVar aggregate classification (germline): Benign (1 of 4 stars; one submission).

Conditions:
Heterotaxy, visceral, 4, autosomal (HTX4). Identifiers: Orphanet 450, MedGen C3151057, MONDO:0013403, OMIM 613751.

Allele frequency attached by ClinVar (database versions not stated): 1000 Genomes Project 30x 0.00078; 1000 Genomes Project 0.00080; TOPMed 0.00103; gnomAD 0.00113 and 0.00115.

Submission:

Illumina Laboratory Services, Illumina
Classification: Benign for Heterotaxy, visceral, 4, autosomal. Last evaluated: 2018-01-13. Review status: criteria provided, single submitter. Criteria: ICSL Variant Classification Criteria 13 December 2019. Collection method: clinical testing. Allele origin: germline.
Comment: This variant was observed in the ICSL laboratory as part of a predisposition screen in an ostensibly healthy population. It had not been previously curated by ICSL or reported in the Human Gene Mutation Database (HGMD: prior to June 1st, 2018), and was therefore a candidate for classification through an automated scoring system. Utilizing variant allele frequency, disease prevalence and penetrance estimates, and inheritance mode, an automated score was calculated to assess if this variant is too frequent to cause the disease. Based on the score and internal cut-off values, a variant classified as benign is not then subjected to further curation. The score for this variant resulted in a classification of benign for this disease.

NM_001106.4(ACVR2B):c.*2005C>T

Gene: ACVR2B (activin A receptor type 2B; plus strand). Cytogenetic location: 3p22.2.
Variant type: single nucleotide variant.
Coding change: c.*2005C>T on transcript NM_001106.4 (MANE Select); 2005 bases downstream of the stop codon, C replaced by T.
Molecular consequence: 3 prime UTR variant.
Genome position (GRCh38, 1-based): chr3:38,485,337, C>T. VCF-style: chr3-38485337-C-T. GRCh37 (hg19) VCF-style: chr3-38526828-C-T.
Identifiers: ClinVar variation 344953 (VCV000344953.5), dbSNP rs573846950, ClinGen allele CA10616240.